The following is an entry in ClinVar:

NM_001042492.3(NF1):c.7379_7382dup (p.Leu2462fs)

Gene: NF1 (neurofibromin 1; plus strand). Cytogenetic location: 17q11.2.
Variant type: Duplication.
Coding change: c.7379_7382dup on transcript NM_001042492.3 (MANE Select); coding-DNA positions 7379 to 7382, 4 bases duplicated (CACT; older notation c.7379_7382dupCACT).
Protein change: p.Leu2462fs; shifts the reading frame from leucine 2462.
Molecular consequence: frameshift variant.
Genome position (GRCh38, 1-based): chr17:31,350,240-31,350,243, CACT duplicated; duplicating any 4 consecutive bases within chr17:31,350,239-31,350,243 gives the same sequence; the c. name uses the placement nearest the transcript's 3' end. VCF-style (leftmost placement, unchanged base first): chr17-31350238-G-GTCAC. GRCh37 (hg19) VCF-style: chr17-29677256-G-GTCAC.
Other names: c.7316_7319dup, p.Leu2441fs (NM_000267.4); short protein forms L2441fs, L2462fs.
Identifiers: ClinVar variation 4855880 (VCV004855880.1).

ClinVar aggregate classification (germline): Likely pathogenic (1 of 4 stars; one submission).

Conditions:
Neurofibromatosis, type 1 (NF1). Also called: NEUROFIBROMATOSIS, TYPE I, SOMATIC; VON RECKLINGHAUSEN DISEASE; Neurofibromatosis, type I; Peripheral type neurofibromatosis. Identifiers: Orphanet 636, MedGen C0027831, MONDO:0018975, OMIM 162200. Disease mechanism: loss of function.

Submission:

3billion
Classification: Likely pathogenic for Neurofibromatosis, type 1. Last evaluated: 2026-01-21. Review status: criteria provided, single submitter. Criteria: ACMG Guidelines, 2015. Collection method: clinical testing. Allele origin: germline. Affected: yes.
Comment: The variant is not observed in the gnomAD v4.1.0 dataset. Predicted Consequence/Location: Frameshift: predicted to result in a loss or disruption of normal protein function through nonsense-mediated decay (NMD) or protein truncation. Multiple pathogenic variants are reported downstream of the variant. Therefore, this variant is classified as Likely pathogenic according to the recommendation of ACMG/AMP guideline.